The following is an entry in ClinVar:

ClinVar aggregate classification (germline): Pathogenic (1 of 4 stars; one submission).

Conditions:
Bardet-Biedl syndrome 1 (BBS1). Identifiers: MedGen C2936862, MONDO:0008854, OMIM 209900. Disease mechanism: loss of function.

Submission:

Myriad Genetics, Inc.
Classification: Pathogenic for Bardet-Biedl syndrome 1. Last evaluated: 2023-09-27. Review status: criteria provided, single submitter. Criteria: Myriad Autosomal Dominant, Autosomal Recessive and X-Linked Classification Criteria (2023). Collection method: clinical testing. Allele origin: unknown.
Comment: NM_024649.4(BBS1):c.1294dupC(R432Pfs*69) is expected to be pathogenic in the context of Bardet-Biedl syndrome, BBS1-related. This variant is predicted to lead to an abnormal or absent protein product due to the creation of a premature termination codon in BBS1, a gene where loss-of-function variants are known to be pathogenic. Please note: this variant was assessed in the context of healthy population screening.

NM_024649.5(BBS1):c.1294dup (p.Arg432fs)

Genes: BBS1 (Bardet-Biedl syndrome 1; plus strand), ZDHHC24 (zDHHC palmitoyltransferase 24; minus strand). Cytogenetic location: 11q13.2.
Variant type: Duplication.
Coding change: c.1294dup on transcript NM_024649.5 (MANE Select); coding-DNA position 1294, one base duplicated (C; older notation c.1294dupC).
Protein change: p.Arg432fs; shifts the reading frame from arginine 432.
Molecular consequence: frameshift variant. On other transcripts: intron variant (1).
Genome position (GRCh38, 1-based): chr11:66,526,762, C duplicated; the last of 3 consecutive C bases (chr11:66,526,760-66,526,762); duplicating any one gives the same sequence. VCF-style (leftmost placement, unchanged base first): chr11-66526759-A-AC. GRCh37 (hg19) VCF-style: chr11-66294230-A-AC.
Other names: c.*21+176dup (NM_001348571.2); short protein forms R432fs.
Identifiers: ClinVar variation 5011850 (VCV005011850.1).
Genomic context (GRCh38, chr11:66,526,759, plus strand): 5'-GGAGGAAGTGAGGTGGGTCCCCCACCAGCCCAGGCCATGAAACTCAATGTGCCCCGAAAG[A>AC]CCCGGCTTTACGTGGATCAGACACTGCGAGAGCGGGAGGCTGGCACCGGTGAGCCTCAGA-3'